The following is an entry in ClinVar:

NM_006642.5(SDCCAG8):c.2138_*5delinsTCACA (p.Cys713fs)

Genes: AKT3 (AKT serine/threonine kinase 3; minus strand), SDCCAG8 (SHH signaling and ciliogenesis regulator SDCCAG8; plus strand). Cytogenetic location: 1q43.
Variant type: Indel.
Coding change: c.2138_*5delinsTCACA on transcript NM_006642.5 (MANE Select); coding-DNA position 2138 through 5 bases downstream of the stop codon, GCTGACCTGG replaced by TCACA.
Protein change: p.Cys713fs; shifts the reading frame from cysteine 713.
Molecular consequence: frameshift variant. On other transcripts: 3 prime UTR variant (2), splice acceptor variant (2).
Genome position (GRCh38, 1-based): chr1:243,499,781-243,499,790, GCTGACCTGG replaced by TCACA. VCF-style: chr1-243499781-GCTGACCTGG-TCACA. GRCh37 (hg19) VCF-style: chr1-243663083-GCTGACCTGG-TCACA.
Other names: c.*5459_*5468delinsTGTGA (NM_001370074.1, NM_005465.7); c.1235_*5delinsTCACA, p.Cys412fs (NM_001350246.2, NM_001350247.2, NM_001350251.2); c.2234_*5delinsTCACA, p.Cys745fs (NM_001350248.2); c.1844_*5delinsTCACA, p.Cys615fs (NM_001350249.2); c.1355-4_1360delinsTGTGA (NM_181690.2, NM_001206729.2); short protein forms C412fs, C615fs, C713fs, C745fs.
Identifiers: ClinVar variation 1696283 (VCV001696283.1), dbSNP rs2148331600, ClinGen allele CA2580063490.

ClinVar aggregate classification (germline): Uncertain significance (1 of 4 stars; one submission).

Submission:

Women's Health and Genetics/Laboratory Corporation of America, LabCorp
Classification: Uncertain significance. Last evaluated: 2022-05-05. Review status: criteria provided, single submitter. Criteria: LabCorp Variant Classification Summary - May 2015. Collection method: clinical testing. Allele origin: germline.
Comment: Variant summary: SDCCAG8 c.2138_*5delinsTCACA (p.Cys713PhefsX21) changes the termination codon and is predicted to lead to an extended protein with additional amino acids added to the normal C-terminus. The variant is located close to a splice site in the SDCCAG8 gene: 4/4 computational tools predict no significant impact on normal splicing. However, these predictions have yet to be confirmed by functional studies. The variant was absent in 282294 control chromosomes (gnomAD). To our knowledge, no occurrence of c.2138_*5delinsTCACA in individuals affected with Bardet-Biedl Syndrome and no experimental evidence demonstrating its impact on protein function have been reported. No clinical diagnostic laboratories have submitted clinical-significance assessments for this variant to ClinVar after 2014. Based on the evidence outlined above, the variant was classified as uncertain significance.